The following is an entry in ClinVar:

NM_001006630.2(CHRM2):c.415A>G (p.Met139Val)

Genes: CHRM2 (cholinergic receptor muscarinic 2; plus strand), LOC349160 (uncharacterized LOC349160; minus strand). Cytogenetic location: 7q33.
Variant type: single nucleotide variant.
Coding change: c.415A>G on transcript NM_001006630.2 (MANE Select); coding-DNA position 415, A replaced by G.
Protein change: p.Met139Val; replaces methionine 139 with valine.
Molecular consequence: missense variant.
Genome position (GRCh38, 1-based): chr7:137,015,280, A>G. VCF-style: chr7-137015280-A-G. GRCh37 (hg19) VCF-style: chr7-136700027-A-G.
Other names: c.415A>G, p.Met139Val (NM_000739.3, NM_001006626.3, NM_001006627.3 and 6 more transcripts); short protein forms M139V.
Identifiers: ClinVar variation 2111184 (VCV002111184.4), dbSNP rs2536205565, ClinGen allele CA369486441.

ClinVar aggregate classification (germline): Uncertain significance (1 of 4 stars; one submission).

Submission:

Labcorp Genetics (formerly Invitae), Labcorp
Classification: Uncertain significance. Last evaluated: 2022-03-13. Review status: criteria provided, single submitter. Criteria: Invitae Variant Classification Sherloc (09022015). Collection method: clinical testing. Allele origin: germline.
Comment: In summary, the available evidence is currently insufficient to determine the role of this variant in disease. Therefore, it has been classified as a Variant of Uncertain Significance. Algorithms developed to predict the effect of missense changes on protein structure and function (SIFT, PolyPhen-2, Align-GVGD) all suggest that this variant is likely to be tolerated. This variant has not been reported in the literature in individuals affected with CHRM2-related conditions. This variant is not present in population databases (gnomAD no frequency). This sequence change replaces methionine, which is neutral and non-polar, with valine, which is neutral and non-polar, at codon 139 of the CHRM2 protein (p.Met139Val).